The following is an entry in ClinVar:

NM_000548.5(TSC2):c.4129C>T (p.Gln1377Ter)

Gene: TSC2 (TSC complex subunit 2; plus strand). Cytogenetic location: 16p13.3.
Variant type: single nucleotide variant.
Coding change: c.4129C>T on transcript NM_000548.5 (MANE Select); coding-DNA position 4129, C replaced by T.
Protein change: p.Gln1377Ter; replaces glutamine 1377 with a stop codon.
Molecular consequence: nonsense.
Genome position (GRCh38, 1-based): chr16:2,084,351, C>T. VCF-style: chr16-2084351-C-T. GRCh37 (hg19) VCF-style: chr16-2134352-C-T.
Other names: c.3928C>T, p.Gln1310Ter (NM_001077183.3); c.4060C>T, p.Gln1354Ter (NM_001114382.3); c.3820C>T, p.Gln1274Ter (NM_001318827.2); c.3784C>T, p.Gln1262Ter (NM_001318829.2); c.3397C>T, p.Gln1133Ter (NM_001318831.2); c.3961C>T, p.Gln1321Ter (NM_001318832.2); c.3931C>T, p.Gln1311Ter (NM_001363528.2); c.3997C>T, p.Gln1333Ter (NM_001370404.1); and 2 more; short protein forms Q1377*, Q1133*, Q1311*, Q1310*, Q1321*, Q1333*, Q1334*, Q1354*.
Identifiers: ClinVar variation 49800 (VCV000049800.12), dbSNP rs45517329, ClinGen allele CA019981.

ClinVar aggregate classification (germline): Pathogenic. Review status: criteria provided, multiple submitters, no conflicts (2 of 4 stars). 7 submissions from 7 submitters: Pathogenic (6). 1 of the submissions does not count toward it. Last evaluated 2024-06-12.

Conditions:
Tuberous sclerosis syndrome (TSC). Also called: Tuberous Sclerosis Complex; Tuberous sclerosis. Identifiers: Orphanet 805, MedGen C0041341, MONDO:0001734.
Isolated focal cortical dysplasia type II (FCORD2). Also called: CORTICAL DYSPLASIA OF TAYLOR; Focal cortical dysplasia type II. Identifiers: Orphanet 268994, MedGen C1846385, MONDO:0011818, OMIM 607341, HP:0032051.
Tuberous sclerosis 2 (TSC2). Identifiers: Orphanet 805, MedGen C1860707, MONDO:0013199, OMIM 613254.

Submissions (7):

GeneDx
Classification: Pathogenic. Last evaluated: 2024-06-12. Review status: criteria provided, single submitter. Criteria: GeneDx Variant Classification Process June 2021. Collection method: clinical testing. Allele origin: germline. Affected: yes.
Comment: Nonsense variant predicted to result in protein truncation or nonsense mediated decay in a gene for which loss of function is a known mechanism of disease; Not observed at significant frequency in large population cohorts (gnomAD); This variant is associated with the following publications: (PMID: 25525159, 15798777, 17304050, 10205261, 27974549, Reed2021[Functional Study], 32917966, 30036593, 32211034, Alonso-Pena2019[Review], 35870981, 35638823, 33278787, 28065512)

Division of Human Genetics, National Health Laboratory Service/University of the Witwatersrand
Classification: Pathogenic for Tuberous sclerosis 2. Last evaluated: 2023-07-01. Review status: criteria provided, single submitter. Criteria: ACMG Guidelines, 2015. Collection method: research. Allele origin: germline. Affected: yes.

Institute of Human Genetics Munich, TUM University Hospital
Classification: Pathogenic for Tuberous sclerosis 2. Last evaluated: 2023-06-29. Review status: criteria provided, single submitter. Criteria: Classification criteria August 2017. Collection method: clinical testing. Allele origin: de novo. Inheritance: Autosomal dominant inheritance. Affected: yes. Observed: 1 variant allele.

Labcorp Genetics (formerly Invitae), Labcorp
Classification: Pathogenic for Tuberous sclerosis 2. Last evaluated: 2022-08-16. Review status: criteria provided, single submitter. Criteria: Invitae Variant Classification Sherloc (09022015). Collection method: clinical testing. Allele origin: germline.
Comment: ClinVar contains an entry for this variant (Variation ID: 49800). For these reasons, this variant has been classified as Pathogenic. This premature translational stop signal has been observed in individual(s) with tuberous sclerosis complex (PMID: 28065512, 30036593). This variant is not present in population databases (gnomAD no frequency). This sequence change creates a premature translational stop signal (p.Gln1377*) in the TSC2 gene. It is expected to result in an absent or disrupted protein product. Loss-of-function variants in TSC2 are known to be pathogenic (PMID: 10205261, 17304050).

Baylor Genetics
Classification: Pathogenic for Isolated focal cortical dysplasia type II. Last evaluated: 2022-05-29. Review status: criteria provided, single submitter. Criteria: ACMG Guidelines, 2015. Collection method: clinical testing. Allele origin: unknown.

Clinical Genetics Service, Universitary Hospital 12 de Octubre
Classification: Pathogenic for Tuberous sclerosis 2. Review status: criteria provided, single submitter. Criteria: ACMG Guidelines, 2015. Collection method: clinical testing. Allele origin: germline. Affected: yes.

Tuberous sclerosis database (TSC2)
No classification provided. Condition: TSC. Review status: no classification provided. Criteria: Tuberous Sclerosis Database Assertion Criteria 2015. Collection method: curation. Allele origin: germline. Affected: yes. Not counted in ClinVar's aggregate classification.

Literature cited by the submitters: PubMed 28065512 (cited by Labcorp Genetics (formerly Invitae), Labcorp); PubMed 30036593 (cited by Labcorp Genetics (formerly Invitae), Labcorp); PubMed 10205261 (cited by Labcorp Genetics (formerly Invitae), Labcorp); PubMed 17304050 (cited by Labcorp Genetics (formerly Invitae), Labcorp).